The following is an entry in ClinVar:

ClinVar aggregate classification (germline): Conflicting classifications of pathogenicity. Review status: criteria provided, conflicting classifications (1 of 4 stars). 2 submissions from 2 submitters: Uncertain significance (1); Likely benign (1). Last evaluated 2025-08-20.

Conditions:
Inborn genetic diseases. Identifiers: MedGen C0950123, MeSH D030342.

Allele frequency attached by ClinVar (database versions not stated): TOPMed 0.00002; gnomAD 0.00004 and 0.00005.
gnomAD v4.1: 19 of 1,566,590 alleles (0.0012%); highest among the groups gnomAD compares: Admixed American, 0.013%; no homozygotes.

Submissions (2):

Ambry Genetics
Classification: Likely benign for Inborn genetic diseases. Last evaluated: 2025-08-20. Review status: criteria provided, single submitter. Criteria: Ambry Variant Classification Scheme 2023. Collection method: clinical testing. Allele origin: germline.

Labcorp Genetics (formerly Invitae), Labcorp
Classification: Uncertain significance. Last evaluated: 2022-08-23. Review status: criteria provided, single submitter. Criteria: Invitae Variant Classification Sherloc (09022015). Collection method: clinical testing. Allele origin: germline.
Comment: This sequence change replaces serine, which is neutral and polar, with leucine, which is neutral and non-polar, at codon 763 of the TONSL protein (p.Ser763Leu). The frequency data for this variant in the population databases is considered unreliable, as metrics indicate poor data quality at this position in the gnomAD database. This variant has not been reported in the literature in individuals affected with TONSL-related conditions. ClinVar contains an entry for this variant (Variation ID: 1366052). Algorithms developed to predict the effect of missense changes on protein structure and function output the following: SIFT: "Tolerated"; PolyPhen-2: "Benign"; Align-GVGD: "Class C0". The leucine amino acid residue is found in multiple mammalian species, which suggests that this missense change does not adversely affect protein function. In summary, the available evidence is currently insufficient to determine the role of this variant in disease. Therefore, it has been classified as a Variant of Uncertain Significance.

NM_013432.5(TONSL):c.2288C>T (p.Ser763Leu)

Genes: TONSL (tonsoku like, DNA repair protein; minus strand), TONSL-AS1 (TONSL antisense RNA 1; plus strand). Cytogenetic location: 8q24.3.
Variant type: single nucleotide variant.
Coding change: c.2288C>T on transcript NM_013432.5 (MANE Select); coding-DNA position 2288, C replaced by T.
Protein change: p.Ser763Leu; replaces serine 763 with leucine.
Molecular consequence: missense variant.
Genome position (GRCh38, 1-based): chr8:144,436,145, G>A on the plus strand (C>T on the coding strand, the complement: TONSL is on the minus strand). VCF-style: chr8-144436145-G-A. GRCh37 (hg19) VCF-style: chr8-145661528-G-A.
Other names: c.2288C>T (NM_013432.4); short protein forms S763L.
Identifiers: ClinVar variation 1366052 (VCV001366052.5), dbSNP rs776417303, ClinGen allele CA4942863.
Genomic context (GRCh38, chr8:144,436,145, plus strand): 5'-GCTGCTTCCCTGTTGCTGGCGGGGCCAGGCGTCCAGGCTGCCACCCGTTGTGCTGTGGCC[G>A]AGCACCGAGGCCTCTTCTGGGACGGCCGTGCGGGGCCTGCGCTGTCCTCGCCTTCTGAGC-3'
Protein context (NP_038460.4, residues 753-773): ARPSQKRPRC[Ser763Leu]ATAQRVAAWT